The following is an entry in ClinVar:

NM_014956.5(CEP164):c.4373A>C (p.Tyr1458Ser)

Gene: CEP164 (centrosomal protein 164; plus strand). Cytogenetic location: 11q23.3.
Variant type: single nucleotide variant.
Coding change: c.4373A>C on transcript NM_014956.5 (MANE Select); coding-DNA position 4373, A replaced by C.
Protein change: p.Tyr1458Ser; replaces tyrosine 1458 with serine.
Molecular consequence: missense variant.
Genome position (GRCh38, 1-based): chr11:117,412,158, A>C. VCF-style: chr11-117412158-A-C. GRCh37 (hg19) VCF-style: chr11-117282874-A-C.
Other names: c.4358A>C, p.Tyr1453Ser (NM_001271933.2); short protein forms Y1453S, Y1458S.
Identifiers: ClinVar variation 1975718 (VCV001975718.5), dbSNP rs2542895184, ClinGen allele CA382746571.

ClinVar aggregate classification (germline): Uncertain significance (1 of 4 stars; one submission).

Conditions:
Nephronophthisis 15 (NPHP15). Identifiers: Orphanet 3156, MedGen C3541853, MONDO:0013917, OMIM 614845.

Allele frequency attached by ClinVar (database versions not stated): gnomAD exomes below 0.00001.
gnomAD v4.1: 1 of 1,614,062 alleles (0.000062%); highest among the groups gnomAD compares: Non-Finnish European, 0.000085%; no homozygotes.

Submission:

Labcorp Genetics (formerly Invitae), Labcorp
Classification: Uncertain significance for Nephronophthisis 15. Last evaluated: 2023-11-27. Review status: criteria provided, single submitter. Criteria: Invitae Variant Classification Sherloc (09022015). Collection method: clinical testing. Allele origin: germline.
Comment: This sequence change replaces tyrosine, which is neutral and polar, with serine, which is neutral and polar, at codon 1458 of the CEP164 protein (p.Tyr1458Ser). This variant is not present in population databases (gnomAD no frequency). This variant has not been reported in the literature in individuals affected with CEP164-related conditions. ClinVar contains an entry for this variant (Variation ID: 1975718). Advanced modeling of protein sequence and biophysical properties (such as structural, functional, and spatial information, amino acid conservation, physicochemical variation, residue mobility, and thermodynamic stability) performed at Invitae indicates that this missense variant is not expected to disrupt CEP164 protein function with a negative predictive value of 80%. In summary, the available evidence is currently insufficient to determine the role of this variant in disease. Therefore, it has been classified as a Variant of Uncertain Significance.